The following is an entry in ClinVar:

ClinVar aggregate classification (germline): Conflicting classifications of pathogenicity. Review status: criteria provided, conflicting classifications (1 of 4 stars). 2 submissions from 2 submitters: Uncertain significance (1); Likely benign (1). Last evaluated 2025-06-12.

Allele frequency attached by ClinVar (database versions not stated): gnomAD exomes below 0.00001; TOPMed 0.00002; gnomAD 0.00005.
gnomAD v4.1: 8 of 1,209,136 alleles (0.00066%); highest among the groups gnomAD compares: African/African-American, 0.014%; no homozygotes.

Submissions (2):

Labcorp Genetics (formerly Invitae), Labcorp
Classification: Likely benign. Last evaluated: 2025-06-12. Review status: criteria provided, single submitter. Criteria: Invitae Variant Classification Sherloc (09022015). Collection method: clinical testing. Allele origin: germline.

GeneDx
Classification: Uncertain significance. Last evaluated: 2025-05-22. Review status: criteria provided, single submitter. Criteria: GeneDx Variant Classification Process June 2021. Collection method: clinical testing. Allele origin: germline. Affected: yes.
Comment: In silico analysis suggests that this variant does not alter splicing; Has not been previously published as pathogenic or benign to our knowledge

NM_033380.3(COL4A5):c.4539C>A (p.Gly1513=)

Gene: COL4A5 (collagen type IV alpha 5 chain; plus strand). Cytogenetic location: Xq22.3.
Variant type: single nucleotide variant.
Coding change: c.4539C>A on transcript NM_033380.3 (MANE Select); coding-DNA position 4539, C replaced by A.
Protein change: p.Gly1513=; no amino-acid change (glycine 1513 retained).
Molecular consequence: synonymous variant.
Genome position (GRCh38, 1-based): chrX:108,692,758, C>A. VCF-style: chrX-108692758-C-A. GRCh37 (hg19) VCF-style: chrX-107935988-C-A.
Other names: c.4539C>A (NM_033380.1); c.4521C>A, p.Gly1507= (NM_000495.5).
Identifiers: ClinVar variation 2189862 (VCV002189862.5), dbSNP rs921889119, ClinGen allele CA334061552.